The following is an entry in ClinVar:

ClinVar aggregate classification (germline): Uncertain significance (1 of 4 stars; one submission).

Submission:

Labcorp Genetics (formerly Invitae), Labcorp
Classification: Uncertain significance. Last evaluated: 2022-10-17. Review status: criteria provided, single submitter. Criteria: Invitae Variant Classification Sherloc (09022015). Collection method: clinical testing. Allele origin: germline.
Comment: In summary, the available evidence is currently insufficient to determine the role of this variant in disease. Therefore, it has been classified as a Variant of Uncertain Significance. Variants that disrupt the consensus splice site are a relatively common cause of aberrant splicing (PMID: 17576681, 9536098). Algorithms developed to predict the effect of sequence changes on RNA splicing suggest that this variant may disrupt the consensus splice site. This variant has not been reported in the literature in individuals affected with ATPAF2-related conditions. This variant is not present in population databases (gnomAD no frequency). This sequence change falls in intron 2 of the ATPAF2 gene. It does not directly change the encoded amino acid sequence of the ATPAF2 protein. It affects a nucleotide within the consensus splice site.

Literature cited by the submitters: PubMed 17576681; PubMed 9536098.

NM_145691.4(ATPAF2):c.177_178+4dup

Gene: ATPAF2 (ATP synthase mitochondrial F1 complex assembly factor 2; minus strand). Cytogenetic location: 17p11.2.
Variant type: Duplication.
Coding change: c.177_178+4dup on transcript NM_145691.4 (MANE Select); coding-DNA position 177 through 4 bases into the intron after coding-DNA position 178, 6 bases duplicated (AGGTGA; older notation c.177_178+4dupAGGTGA).
Molecular consequence: splice donor variant.
Genome position (GRCh38, 1-based): chr17:18,028,611-18,028,616, TCACCT duplicated on the plus strand (AGGTGA on the coding strand, the reverse complement: ATPAF2 is on the minus strand); duplicating any 6 consecutive bases within chr17:18,028,611-18,028,621 gives the same sequence; the c. name uses the placement nearest the transcript's 3' end. VCF-style (leftmost placement, unchanged base first): chr17-18028610-C-CTCACCT. GRCh37 (hg19) VCF-style: chr17-17931924-C-CTCACCT.
Identifiers: ClinVar variation 2114950 (VCV002114950.4), dbSNP rs2545083452, ClinGen allele CA2580092639.